The following is an entry in ClinVar:

ClinVar aggregate classification (germline): Uncertain significance (1 of 4 stars; one submission).

gnomAD v4.1: 1 of 1,614,126 alleles (0.000062%); highest among the groups gnomAD compares: Non-Finnish European, 0.000085%; no homozygotes.

Submission:

Labcorp Genetics (formerly Invitae), Labcorp
Classification: Uncertain significance. Last evaluated: 2026-01-12. Review status: criteria provided, single submitter. Criteria: Invitae Variant Classification Sherloc (09022015). Collection method: clinical testing. Allele origin: germline.
Comment: This sequence change replaces methionine, which is neutral and non-polar, with valine, which is neutral and non-polar, at codon 394 of the CLCN6 protein (p.Met394Val). This variant is not present in population databases (gnomAD no frequency). This variant has not been reported in the literature in individuals affected with CLCN6-related conditions. ClinVar contains an entry for this variant (Variation ID: 3647822). An algorithm developed to predict the effect of missense changes on protein structure and function (PolyPhen-2) suggests that this variant is likely to be tolerated. In summary, the available evidence is currently insufficient to determine the role of this variant in disease. Therefore, it has been classified as a Variant of Uncertain Significance.

NM_001286.5(CLCN6):c.1180A>G (p.Met394Val)

Gene: CLCN6 (Cl-/H+ antiporter 6; plus strand). Cytogenetic location: 1p36.22.
Variant type: single nucleotide variant.
Coding change: c.1180A>G on transcript NM_001286.5 (MANE Select); coding-DNA position 1180, A replaced by G.
Protein change: p.Met394Val; replaces methionine 394 with valine.
Molecular consequence: missense variant. On other transcripts: non-coding transcript variant (1).
Genome position (GRCh38, 1-based): chr1:11,829,254, A>G. VCF-style: chr1-11829254-A-G. GRCh37 (hg19) VCF-style: chr1-11889311-A-G.
Other names: c.1114A>G, p.Met372Val (NM_001256959.2); short protein forms M394V, M372V.
Identifiers: ClinVar variation 3647822 (VCV003647822.2).